The following is an entry in ClinVar:

NM_001042492.3(NF1):c.5074T>C (p.Tyr1692His)

Gene: NF1 (neurofibromin 1; plus strand). Cytogenetic location: 17q11.2.
Variant type: single nucleotide variant.
Coding change: c.5074T>C on transcript NM_001042492.3 (MANE Select); coding-DNA position 5074, T replaced by C.
Protein change: p.Tyr1692His; replaces tyrosine 1692 with histidine.
Molecular consequence: missense variant.
Genome position (GRCh38, 1-based): chr17:31,326,058, T>C. VCF-style: chr17-31326058-T-C. GRCh37 (hg19) VCF-style: chr17-29653076-T-C.
Other names: c.5011T>C, p.Tyr1671His (NM_000267.4); short protein forms Y1671H, Y1692H.
Identifiers: ClinVar variation 4018060 (VCV004018060.2).

ClinVar aggregate classification (germline): Uncertain significance. Review status: criteria provided, multiple submitters, no conflicts (2 of 4 stars). 2 submissions from 2 submitters: Uncertain significance (2). Last evaluated 2025-10-05.

Conditions:
Cardiovascular phenotype. Identifiers: MedGen CN230736.
Hereditary cancer-predisposing syndrome. Also called: Neoplastic Syndromes, Hereditary; Tumor predisposition; Hereditary Cancer Syndrome; Hereditary neoplastic syndrome. Identifiers: Orphanet 140162, MedGen C0027672, MeSH D009386, MONDO:0015356.
Neurofibromatosis, type 1 (NF1). Also called: NEUROFIBROMATOSIS, TYPE I, SOMATIC; Neurofibromatosis, type I; VON RECKLINGHAUSEN DISEASE; Peripheral type neurofibromatosis. Identifiers: Orphanet 636, MedGen C0027831, MONDO:0018975, OMIM 162200. Disease mechanism: loss of function.

Submissions (2):

Labcorp Genetics (formerly Invitae), Labcorp
Classification: Uncertain significance for Neurofibromatosis, type 1. Last evaluated: 2025-10-05. Review status: criteria provided, single submitter. Criteria: Invitae Variant Classification Sherloc (09022015). Collection method: clinical testing. Allele origin: germline.
Comment: This sequence change replaces tyrosine, which is neutral and polar, with histidine, which is basic and polar, at codon 1671 of the NF1 protein (p.Tyr1671His). This variant is not present in population databases (gnomAD no frequency). This variant has not been reported in the literature in individuals affected with NF1-related conditions. ClinVar contains an entry for this variant (Variation ID: 4018060). Invitae Evidence Modeling of protein sequence and biophysical properties (such as structural, functional, and spatial information, amino acid conservation, physicochemical variation, residue mobility, and thermodynamic stability) has been performed for this missense variant. However, the output from this modeling did not meet the statistical confidence thresholds required to predict the impact of this variant on NF1 protein function. In summary, the available evidence is currently insufficient to determine the role of this variant in disease. Therefore, it has been classified as a Variant of Uncertain Significance.

Ambry Genetics
Classification: Uncertain significance for Cardiovascular phenotype; Hereditary cancer-predisposing syndrome. Last evaluated: 2025-04-01. Review status: criteria provided, single submitter. Criteria: Ambry Variant Classification Scheme 2023. Collection method: clinical testing. Allele origin: germline.
Comment: The p.Y1671H variant (also known as c.5011T>C), located in coding exon 36 of the NF1 gene, results from a T to C substitution at nucleotide position 5011. The tyrosine at codon 1671 is replaced by histidine, an amino acid with similar properties. This amino acid position is conserved. In addition, the in silico prediction for this alteration is inconclusive. Based on the available evidence, the clinical significance of this variant remains unclear.